The following is an entry in ClinVar:

NC_000023.11:g.(?_22168312)_(22247953_?)del

Gene: PHEX (phosphate regulating endopeptidase X-linked; plus strand). Cytogenetic location: Xp22.11.
Variant type: Deletion.
Identifiers: ClinVar variation 832733 (VCV000832733.1).

ClinVar aggregate classification (germline): Pathogenic (1 of 4 stars; one submission).

Submission:

Labcorp Genetics (formerly Invitae), Labcorp
Classification: Pathogenic. Last evaluated: 2019-11-13. Review status: criteria provided, single submitter. Criteria: Invitae Variant Classification Sherloc (09022015). Collection method: clinical testing. Allele origin: germline.
Comment: This variant is a gross deletion of the genomic region encompassing exons 13-22 of the PHEX gene. The 5' boundary is likely confined to intron 12. The 3' end of this event is unknown as it extends through the termination codon beyond the assayed region for this gene and may encompass additional genes. While this deletion is not anticipated to result in nonsense mediated decay, it is expected to create a truncated protein product or disrupt mRNA translation. This variant has been observed in an individual affected with hypophosphatemic rickets (PMID: 21902834). Sub-genic deletion of exon 22 has been determined to be pathogenic (PMID: 19513579). Therefore, deletions that fully encompass that region are also expected to be pathogenic. For these reasons, this variant has been classified as Pathogenic.

Literature cited by the submitters: PubMed 19513579; PubMed 21902834.